The following is an entry in ClinVar:

ClinVar aggregate classification (germline): Uncertain significance. Review status: criteria provided, multiple submitters, no conflicts (2 of 4 stars). 2 submissions from 2 submitters: Uncertain significance (2). Last evaluated 2024-01-13.

Conditions:
Neuropathy, hereditary sensory and autonomic, type 2A (HSAN2A). Also called: HSAN IIA; WNK1-Related HSAN2 (HSAN2A); ACROOSTEOLYSIS, GIACCAI TYPE; ACROOSTEOLYSIS, NEUROGENIC; MORVAN DISEASE; NEUROPATHY, CONGENITAL SENSORY. Identifiers: Orphanet 970, MedGen C2752089, MONDO:0024309, OMIM 201300.
Pseudohypoaldosteronism type 2C (PHA2C). Also called: Pseudohypoaldosteronism Type IIC. Identifiers: Orphanet 757, Orphanet 88940, MedGen C1840391, MONDO:0013778, OMIM 614492.

Allele frequency attached by ClinVar (database versions not stated): gnomAD exomes below 0.00001 and 0.00001; ExAC 0.00001; gnomAD 0.00001; TOPMed 0.00001.
gnomAD v4.1: 15 of 1,613,924 alleles (0.00093%); highest among the groups gnomAD compares: East Asian, 0.0067%; no homozygotes.

Submissions (2):

Fulgent Genetics
Classification: Uncertain significance for Neuropathy, hereditary sensory and autonomic, type 2A; Pseudohypoaldosteronism type 2C. Last evaluated: 2024-01-13. Review status: criteria provided, single submitter. Criteria: ACMG Guidelines, 2015. Collection method: clinical testing. Allele origin: germline.

Labcorp Genetics (formerly Invitae), Labcorp
Classification: Uncertain significance for Neuropathy, hereditary sensory and autonomic, type 2A; Pseudohypoaldosteronism type 2C. Last evaluated: 2020-02-22. Review status: criteria provided, single submitter. Criteria: Invitae Variant Classification Sherloc (09022015). Collection method: clinical testing. Allele origin: germline.
Comment: Algorithms developed to predict the effect of missense changes on protein structure and function do not agree on the potential impact of this missense change (SIFT: "Deleterious"; PolyPhen-2: "Possibly Damaging"; Align-GVGD: "Class C0"). In summary, this variant has uncertain impact on WNK1 function. The available evidence is currently insufficient to determine its role in disease. Therefore, it has been classified as a Variant of Uncertain Significance. This variant has not been reported in the literature in individuals with a WNK1-related disease. This variant is present in population databases (rs766223909, ExAC 0.001%). This sequence change replaces threonine with methionine at codon 853 of the WNK1 protein (p.Thr853Met). The threonine residue is weakly conserved and there is a moderate physicochemical difference between threonine and methionine.

NM_018979.4(WNK1):c.2558C>T (p.Thr853Met)

Gene: WNK1 (WNK lysine deficient protein kinase 1; plus strand). Cytogenetic location: 12p13.33.
Variant type: single nucleotide variant.
Coding change: c.2558C>T on transcript NM_018979.4 (MANE Select); coding-DNA position 2558, C replaced by T.
Protein change: p.Thr853Met; replaces threonine 853 with methionine.
Molecular consequence: missense variant. On other transcripts: intron variant (3).
Genome position (GRCh38, 1-based): chr12:879,757, C>T. VCF-style: chr12-879757-C-T. GRCh37 (hg19) VCF-style: chr12-988923-C-T.
Other names: c.3867+1396C>T (NM_213655.5); c.3613-964C>T (NM_001184985.2); c.2370+1396C>T (NM_014823.3); short protein forms T853M.
Identifiers: ClinVar variation 471174 (VCV000471174.9), dbSNP rs766223909, ClinGen allele CA6382510.